The following is an entry in ClinVar:

NM_005144.5(HR):c.1932C>T (p.Ser644=)

Gene: HR (HR lysine demethylase and nuclear receptor corepressor; minus strand). Cytogenetic location: 8p21.3.
Variant type: single nucleotide variant.
Coding change: c.1932C>T on transcript NM_005144.5 (MANE Select); coding-DNA position 1932, C replaced by T.
Protein change: p.Ser644=; no amino-acid change (serine 644 retained).
Molecular consequence: synonymous variant.
Genome position (GRCh38, 1-based): chr8:22,122,863, G>A on the plus strand (C>T on the coding strand, the complement: HR is on the minus strand). VCF-style: chr8-22122863-G-A. GRCh37 (hg19) VCF-style: chr8-21980376-G-A.
Other names: c.1932C>T, p.Ser644= (NM_018411.4); c.1932C>T (NM_005144.4).
Identifiers: ClinVar variation 2716292 (VCV002716292.6), dbSNP rs777201388, ClinGen allele CA4662302.

ClinVar aggregate classification (germline): Likely benign. Review status: criteria provided, multiple submitters, no conflicts (2 of 4 stars). 3 submissions from 3 submitters: Likely benign (2). 1 of the submissions does not count toward it. Last evaluated 2023-10-03.

Conditions:
HR-related disorder. Also called: HR-related disorders; HR-related condition. Identifiers: MedGen CN239293.

Allele frequency attached by ClinVar (database versions not stated): gnomAD exomes 0.00006; gnomAD 0.00009; TOPMed 0.00009; ExAC 0.00010.
gnomAD v4.1: 104 of 1,553,558 alleles (0.0067%); highest among the groups gnomAD compares: Middle Eastern, 0.05%; no homozygotes.

Submissions (3):

Labcorp Genetics (formerly Invitae), Labcorp
Classification: Likely benign. Last evaluated: 2023-10-03. Review status: criteria provided, single submitter. Criteria: Invitae Variant Classification Sherloc (09022015). Collection method: clinical testing. Allele origin: germline.

Breakthrough Genomics
Classification: Likely benign. Review status: criteria provided, single submitter. Criteria: ACMG Guidelines, 2015. Collection method: not provided. Allele origin: germline. Inheritance: Autosomal recessive inheritance. Affected: yes.

PreventionGenetics, part of Exact Sciences
Classification: Likely benign for HR-related condition. Last evaluated: 2019-08-26. Review status: no assertion criteria provided. Collection method: clinical testing. Allele origin: germline. Not counted in ClinVar's aggregate classification.
Comment: This variant is classified as likely benign based on ACMG/AMP sequence variant interpretation guidelines (Richards et al. 2015 PMID: 25741868, with internal and published modifications).